The following is an entry in ClinVar:

NM_004415.4(DSP):c.8531G>C (p.Gly2844Ala)

Gene: DSP (desmoplakin; plus strand). Cytogenetic location: 6p24.3.
Variant type: single nucleotide variant.
Coding change: c.8531G>C on transcript NM_004415.4 (MANE Select); coding-DNA position 8531, G replaced by C.
Protein change: p.Gly2844Ala; replaces glycine 2844 with alanine.
Molecular consequence: missense variant.
Genome position (GRCh38, 1-based): chr6:7,585,793, G>C. VCF-style: chr6-7585793-G-C. GRCh37 (hg19) VCF-style: chr6-7586026-G-C.
Other names: c.8531G>C (NM_004415.3); c.6734G>C, p.Gly2245Ala (NM_001008844.3); c.7202G>C, p.Gly2401Ala (NM_001319034.2); short protein forms G2245A, G2401A, G2844A.
Identifiers: ClinVar variation 1315473 (VCV001315473.8), dbSNP rs374137476, ClinGen allele CA052732.

ClinVar aggregate classification (germline): Uncertain significance. Review status: criteria provided, multiple submitters, no conflicts (2 of 4 stars). 6 submissions from 6 submitters: Uncertain significance (6). Last evaluated 2026-03-11.

Conditions:
Arrhythmogenic right ventricular dysplasia 8 (ARVD8). Also called: Arrhythmogenic Right Ventricular Dysplasia/Cardiomyopathy 8; ARRHYTHMOGENIC RIGHT VENTRICULAR DYSPLASIA, FAMILIAL, 8; ARRHYTHMOGENIC RIGHT VENTRICULAR CARDIOMYOPATHY 8. Identifiers: MedGen C1843896, MONDO:0011831, OMIM 607450.
DSP-related disorder. Also called: DSP-related condition; DSP-related disorders.
Cardiovascular phenotype. Identifiers: MedGen CN230736.
Cardiomyopathy (CMYO). Also called: Cardiomyopathies. Identifiers: Orphanet 167848, MedGen C0878544, MONDO:0004994, HP:0001638. Inheritance: Various modes of inheritance.

gnomAD v4.1: 30 of 1,607,344 alleles (0.0019%); highest among the groups gnomAD compares: Non-Finnish European, 0.0024%; no homozygotes.

Submissions (6):

Victorian Clinical Genetics Services, Murdoch Childrens Research Institute
Classification: Uncertain significance for Arrhythmogenic right ventricular dysplasia 8. Last evaluated: 2026-03-11. Review status: criteria provided, single submitter. Criteria: ACMG Guidelines, 2015. Collection method: clinical testing. Allele origin: germline. Affected: yes.
Comment: This variant is classified as VUS-3B. Evidence in support of pathogenic classification: Variant is present in gnomAD <0.01 (v4: 30 heterozygote(s), 0 homozygote(s)). Additional information: Variant is predicted to result in a missense amino acid change from Gly to Ala; This variant is heterozygous; This gene is associated with both recessive and dominant disease. Variants in this gene are usually inherited in a dominant manner; however there are rare reports of recessive inheritance resulting in a more severe cardiac phenotype (OMIM); Alternative amino acid change(s) at the same position are present in gnomAD (highest allele count: v4: 12 heterozygote(s), 0 homozygote(s)); Previous evidence of pathogenicity for this variant is inconclusive. This variant has been classified a VUS by clinical laboratories in ClinVar and has been reported a VUS in an individual with dilated cardiomyopathy (PMID: 29961767); No published evidence of segregation with disease has been identified for this variant; No published functional evidence has been identified for this variant; Another missense variant comparable to the one identified in this case has inconclusive previous evidence for pathogenicity. p.(Gly2844Val) has been classified a VUS by clinical laboratories in ClinVar. This variant has also been reported a VUS in an individual with SIDS, three individuals likely from one family in an asymptomatic screening cohort who were later found to have likely clinical cardiac correlation, and an ARVC family with an alternate genetic diagnosis (PMIDs: 28074886, 24598986, 29555771); Variant is not located in an established domain, motif, hotspot or informative constraint region; Missense variant with inconclusive in silico prediction and/or uninformative conservation; Loss of function is a known mechanism of disease in this gene and is associated with arrhythmogenic right ventricular dysplasia 8 (MIM#607450) and other DSP-related cardiac disorders; The condition associated with this gene has incomplete penetrance. In families with cardiomyopathies, reduced penetrance has been reported among family members aged 60-86 years (PMID: 36580316); Variants in this gene are known to have variable expressivity. Age-dependent penetrance and variable expressivity are well-described aspects of arrhythmogenic cardiomyopathy (PMID: 29062697); Parental origin of the variant is unresolved.

Ambry Genetics
Classification: Uncertain significance for Cardiovascular phenotype. Last evaluated: 2026-01-21. Review status: criteria provided, single submitter. Criteria: Ambry Variant Classification Scheme 2023. Collection method: clinical testing. Allele origin: germline.
Comment: The p.G2844A variant (also known as c.8531G>C), located in coding exon 24 of the DSP gene, results from a G to C substitution at nucleotide position 8531. The glycine at codon 2844 is replaced by alanine, an amino acid with similar properties. This variant was reported in individual(s) with features consistent with dilated cardiomyopathy (Minoche AE et al. Genet Med, 2019 Mar;21:650-662). This amino acid position is highly conserved in available vertebrate species. In addition, this alteration is predicted to be deleterious by in silico analysis. Based on the available evidence, the clinical significance of this variant remains unclear.

PreventionGenetics, part of Exact Sciences
Classification: Uncertain significance for DSP-related condition. Last evaluated: 2025-11-14. Review status: criteria provided, single submitter. Criteria: ACMG Guidelines, 2015. Collection method: clinical testing. Allele origin: germline.
Comment: The DSP c.8531G>C variant is predicted to result in the amino acid substitution p.Gly2844Ala. This variant has been reported as a variant of uncertain significance in an individual with dilated cardiomyopathy (Minoche et al. 2018. PubMed ID: 29961767). This variant is reported in 0.0018% of alleles in individuals of European (Non-Finnish) descent in gnomAD. At this time, the clinical significance of this variant is uncertain due to the absence of conclusive functional and genetic evidence.

Color Diagnostics, LLC DBA Color Health
Classification: Uncertain significance for Cardiomyopathy. Last evaluated: 2023-07-21. Review status: criteria provided, single submitter. Criteria: ACMG Guidelines, 2015. Collection method: clinical testing. Allele origin: germline.
Comment: This missense variant replaces glycine with alanine at codon 2844 of the DSP protein. Computational prediction suggests that this variant may not impact protein structure and function. To our knowledge, functional studies have not been reported for this variant. This variant has been reported in an individual affected with familial dilated cardiomyopathy (PMID: 29961767) and in another individual affected with sudden infant death syndrome (PMID: 28074886). This variant has been identified in 2/243874 chromosomes in the general population by the Genome Aggregation Database (gnomAD). The available evidence is insufficient to determine the role of this variant in disease conclusively. Therefore, this variant is classified as a Variant of Uncertain Significance.

Blueprint Genetics
Classification: Uncertain significance. Last evaluated: 2020-11-18. Review status: criteria provided, single submitter. Criteria: ACMG Guidelines, 2015. Collection method: clinical testing. Allele origin: germline.

GeneDx
Classification: Uncertain significance. Last evaluated: 2020-02-14. Review status: criteria provided, single submitter. Criteria: GeneDx Variant Classification Process June 2021. Collection method: clinical testing. Allele origin: germline. Affected: yes.
Comment: Has not been previously published as pathogenic or benign to our knowledge; Not observed at a significant frequency in large population cohorts (Lek et al., 2016); In silico analysis supports that this missense variant has a deleterious effect on protein structure/function

Literature cited by the submitters: PubMed 29961767 (cited by 3 submitters); PubMed 29062697 (cited by Victorian Clinical Genetics Services, Murdoch Childrens Research Institute); PubMed 29555771 (cited by Victorian Clinical Genetics Services, Murdoch Childrens Research Institute); PubMed 36580316 (cited by Victorian Clinical Genetics Services, Murdoch Childrens Research Institute); PubMed 28074886 (cited by Victorian Clinical Genetics Services, Murdoch Childrens Research Institute and Color Diagnostics, LLC DBA Color Health); PubMed 24598986 (cited by Victorian Clinical Genetics Services, Murdoch Childrens Research Institute).